The following is an entry in ClinVar:

ClinVar aggregate classification (germline): Uncertain significance. Review status: criteria provided, multiple submitters, no conflicts (2 of 4 stars). 2 submissions from 2 submitters: Uncertain significance (2). Last evaluated 2021-05-08.

Allele frequency attached by ClinVar (database versions not stated): gnomAD exomes below 0.00001 and 0.00002; TOPMed below 0.00001; ExAC 0.00001.
gnomAD v4.1: 26 of 1,614,156 alleles (0.0016%); highest among the groups gnomAD compares: Non-Finnish European, 0.0021%; no homozygotes.

Submissions (2):

Labcorp Genetics (formerly Invitae), Labcorp
Classification: Uncertain significance. Last evaluated: 2021-05-08. Review status: criteria provided, single submitter. Criteria: Invitae Variant Classification Sherloc (09022015). Collection method: clinical testing. Allele origin: germline.
Comment: This sequence change replaces asparagine with threonine at codon 892 of the OPA1 protein (p.Asn892Thr). The asparagine residue is moderately conserved and there is a small physicochemical difference between asparagine and threonine. This variant is present in population databases (rs750518068, ExAC 0.001%). This variant has not been reported in the literature in individuals with OPA1-related conditions. ClinVar contains an entry for this variant (Variation ID: 214913). Advanced modeling of protein sequence and biophysical properties (such as structural, functional, and spatial information, amino acid conservation, physicochemical variation, residue mobility, and thermodynamic stability) performed at Invitae indicates that this missense variant is expected to disrupt OPA1 protein function. In summary, the available evidence is currently insufficient to determine the role of this variant in disease. Therefore, it has been classified as a Variant of Uncertain Significance.

GeneDx
Classification: Uncertain significance. Last evaluated: 2014-12-09. Review status: criteria provided, single submitter. Criteria: GeneDx Variant Classification (06012015). Collection method: clinical testing. Allele origin: germline. Affected: yes.
Comment: p.Asn892Thr (AAT>ACT): c.2675 A>C in exon 26 of the OPA1 gene (NM_015560.2) The N892T variant has not been published as a mutation, nor has it been reported as a benign polymorphism to our knowledge. The N892T variant was not observed in approximately 6,500 individuals of European and African American ancestry in the NHLBI Exome Sequencing Project, indicating it is not a common benign variant in these populations. The N892T variant is a conservative amino acid substitution, which is not likely to impact secondary protein structure as these residues share similar properties. This substitution occurs at a position that is conserved across species and in silico analysis predicts this variant is probably damaging to the protein structure/function. Missense mutations in nearby residues (R882L, L887P, V910D) have been reported in association with optic atrophy type 1, supporting the functional importance of this region of the protein. Therefore, based on the currently available information, it is unclear whether this variant is a pathogenic mutation or a rare benign variant. The variant is found in MITONUC-MITOP panel(s).

NM_130837.3(OPA1):c.2840A>C (p.Asn947Thr)

Gene: OPA1 (OPA1 mitochondrial dynamin like GTPase; plus strand). Cytogenetic location: 3q29.
Variant type: single nucleotide variant.
Coding change: c.2840A>C on transcript NM_130837.3 (MANE Select); coding-DNA position 2840, A replaced by C.
Protein change: p.Asn947Thr; replaces asparagine 947 with threonine.
Molecular consequence: missense variant.
Genome position (GRCh38, 1-based): chr3:193,666,357, A>C. VCF-style: chr3-193666357-A-C. GRCh37 (hg19) VCF-style: chr3-193384146-A-C.
Other names: c.2306A>C, p.Asn769Thr (NM_001354663.2); c.2303A>C, p.Asn768Thr (NM_001354664.2); c.2675A>C, p.Asn892Thr (NM_015560.3); c.2567A>C, p.Asn856Thr (NM_130831.3); c.2621A>C, p.Asn874Thr (NM_130832.3); c.2678A>C, p.Asn893Thr (NM_130833.3); c.2729A>C, p.Asn910Thr (NM_130834.3); c.2732A>C, p.Asn911Thr (NM_130835.3); and 1 more; short protein forms N892T, N947T, N769T, N893T, N910T, N856T, N911T, N929T.
Identifiers: ClinVar variation 214913 (VCV000214913.9), dbSNP rs750518068, ClinGen allele CA320233.